The following is an entry in ClinVar:

ClinVar aggregate classification (germline): Likely benign (0 of 4 stars; one submission).

Conditions:
RECQL5-related disorder. Also called: RECQL5-related condition.

Allele frequency attached by ClinVar (database versions not stated): 1000 Genomes Project 30x 0.00016; 1000 Genomes Project 0.00020; ESP Exome Variant Server 0.00040; ExAC 0.00041; gnomAD exomes 0.00042; gnomAD 0.00047; TOPMed 0.00049.
gnomAD v4.1: 697 of 1,613,030 alleles (0.043%); highest among the groups gnomAD compares: Non-Finnish European, 0.038%; 1 homozygote.

Submission:

PreventionGenetics, part of Exact Sciences
Classification: Likely benign for RECQL5-related condition. Last evaluated: 2022-10-10. Review status: no assertion criteria provided. Collection method: clinical testing. Allele origin: germline.
Comment: This variant is classified as likely benign based on ACMG/AMP sequence variant interpretation guidelines (Richards et al. 2015 PMID: 25741868, with internal and published modifications).

NM_004259.7(RECQL5):c.1328G>A (p.Arg443Gln)

Gene: RECQL5 (RecQ like helicase 5; minus strand). Cytogenetic location: 17q25.1.
Variant type: single nucleotide variant.
Coding change: c.1328G>A on transcript NM_004259.7 (MANE Select); coding-DNA position 1328, G replaced by A.
Protein change: p.Arg443Gln; replaces arginine 443 with glutamine.
Molecular consequence: missense variant.
Genome position (GRCh38, 1-based): chr17:75,631,570, C>T on the plus strand (G>A on the coding strand, the complement: RECQL5 is on the minus strand). VCF-style: chr17-75631570-C-T. GRCh37 (hg19) VCF-style: chr17-73627650-C-T.
Other names: short protein forms R443Q.
Identifiers: ClinVar variation 3051174 (VCV003051174.2), dbSNP rs202152201, ClinGen allele CA8767567.